The following is an entry in ClinVar:

ClinVar aggregate classification (germline): Uncertain significance (1 of 4 stars; one submission).

Conditions:
Immunodeficiency, common variable, 10. Also called: DEFICIT IN ANTERIOR PITUITARY FUNCTION AND VARIABLE IMMUNODEFICIENCY; IMMUNODEFICIENCY, COMMON VARIABLE, WITH CENTRAL ADRENAL INSUFFICIENCY. Identifiers: MedGen C3809991, MONDO:0014260, OMIM 615577.

Submission:

Labcorp Genetics (formerly Invitae), Labcorp
Classification: Uncertain significance for Immunodeficiency, common variable, 10. Last evaluated: 2022-09-07. Review status: criteria provided, single submitter. Criteria: Invitae Variant Classification Sherloc (09022015). Collection method: clinical testing. Allele origin: germline.
Comment: This variant is not present in population databases (gnomAD no frequency). In summary, the available evidence is currently insufficient to determine the role of this variant in disease. Therefore, it has been classified as a Variant of Uncertain Significance. Experimental studies and prediction algorithms are not available or were not evaluated, and the functional significance of this variant is currently unknown. This variant has not been reported in the literature in individuals affected with NFKB2-related conditions. This sequence change creates a premature translational stop signal (p.Asp854Glufs*10) in the NFKB2 gene. While this is not anticipated to result in nonsense mediated decay, it is expected to disrupt the last 47 amino acid(s) of the NFKB2 protein.

NM_001322934.2(NFKB2):c.2560_2561dup (p.Asp854fs)

Gene: NFKB2 (nuclear factor kappa B subunit 2; plus strand). Cytogenetic location: 10q24.32.
Variant type: Microsatellite.
Coding change: c.2560_2561dup on transcript NM_001322934.2 (MANE Select); coding-DNA positions 2560 to 2561, 2 bases duplicated (GA; older notation c.2560_2561dupGA).
Protein change: p.Asp854fs; shifts the reading frame from aspartic acid 854.
Molecular consequence: frameshift variant.
Genome position (GRCh38, 1-based): chr10:102,402,141-102,402,142, GA duplicated; duplicating any 2 consecutive bases within chr10:102,402,139-102,402,142 gives the same sequence; the c. name uses the placement nearest the transcript's 3' end. VCF-style (leftmost placement, unchanged base first): chr10-102402138-C-CGA. GRCh37 (hg19) VCF-style: chr10-104161895-C-CGA.
Other names: c.2558_2559GA[3], p.Asp854Glufs (NM_001077493.1); c.2560_2561dup, p.Asp854fs (NM_001077494.3, NM_001261403.3, NM_001288724.1 and 1 more transcripts); c.2434_2435dup, p.Asp812fs (NM_001322935.1); short protein forms D812fs, D854fs.
Identifiers: ClinVar variation 2009182 (VCV002009182.4), dbSNP rs2544605830, ClinGen allele CA2580616856.
Genomic context (GRCh38, chr10:102,402,138, plus strand): 5'-GAGGCCCTGTCTGACATGGGCCTAGAGGAGGGAGTGAGGCTGCTGAGGGGTCCAGAAACC[C>CGA]GAGACAAGCTGCCCAGCACAGGTAAAGGGGCCTCCCTGGAAGGTGGATCTGGACCTGGAG-3'